The following is an entry in ClinVar:

NM_015721.3(GEMIN4):c.1402G>T (p.Asp468Tyr)

Gene: GEMIN4 (gem nuclear organelle associated protein 4; minus strand). Cytogenetic location: 17p13.3.
Variant type: single nucleotide variant.
Coding change: c.1402G>T on transcript NM_015721.3 (MANE Select); coding-DNA position 1402, G replaced by T.
Protein change: p.Asp468Tyr; replaces aspartic acid 468 with tyrosine.
Molecular consequence: missense variant.
Genome position (GRCh38, 1-based): chr17:746,641, C>A on the plus strand (G>T on the coding strand, the complement: GEMIN4 is on the minus strand). VCF-style: chr17-746641-C-A. GRCh37 (hg19) VCF-style: chr17-649881-C-A.
Other names: short protein forms D468Y.
Identifiers: ClinVar variation 3781101 (VCV003781101.1).

ClinVar aggregate classification (germline): Uncertain significance (1 of 4 stars; one submission).

Submission:

GeneDx
Classification: Uncertain significance. Last evaluated: 2024-10-10. Review status: criteria provided, single submitter. Criteria: GeneDx Variant Classification Process June 2021. Collection method: clinical testing. Allele origin: germline. Affected: yes.
Comment: Not observed at significant frequency in large population cohorts (gnomAD); In silico analysis supports that this missense variant has a deleterious effect on protein structure/function; Has not been previously published as pathogenic or benign to our knowledge